The following is an entry in ClinVar:

ClinVar aggregate classification (germline): Uncertain significance (1 of 4 stars; one submission).

Allele frequency attached by ClinVar (database versions not stated): ExAC 0.00001; gnomAD exomes 0.00002 and 0.00010; gnomAD 0.00005 and 0.00006; TOPMed 0.00005.
gnomAD v4.1: 153 of 1,613,572 alleles (0.0095%); highest among the groups gnomAD compares: Non-Finnish European, 0.013%; no homozygotes.

Submission:

Labcorp Genetics (formerly Invitae), Labcorp
Classification: Uncertain significance. Last evaluated: 2024-11-13. Review status: criteria provided, single submitter. Criteria: Invitae Variant Classification Sherloc (09022015). Collection method: clinical testing. Allele origin: germline.
Comment: This sequence change replaces alanine, which is neutral and non-polar, with threonine, which is neutral and polar, at codon 212 of the CASQ1 protein (p.Ala212Thr). This variant is present in population databases (rs773804780, gnomAD 0.006%). This variant has not been reported in the literature in individuals affected with CASQ1-related conditions. ClinVar contains an entry for this variant (Variation ID: 1385332). Invitae Evidence Modeling of protein sequence and biophysical properties (such as structural, functional, and spatial information, amino acid conservation, physicochemical variation, residue mobility, and thermodynamic stability) indicates that this missense variant is not expected to disrupt CASQ1 protein function with a negative predictive value of 80%. In summary, the available evidence is currently insufficient to determine the role of this variant in disease. Therefore, it has been classified as a Variant of Uncertain Significance.

NM_001231.5(CASQ1):c.634G>A (p.Ala212Thr)

Gene: CASQ1 (calsequestrin 1; plus strand). Cytogenetic location: 1q23.2.
Variant type: single nucleotide variant.
Coding change: c.634G>A on transcript NM_001231.5 (MANE Select); coding-DNA position 634, G replaced by A.
Protein change: p.Ala212Thr; replaces alanine 212 with threonine.
Molecular consequence: missense variant.
Genome position (GRCh38, 1-based): chr1:160,195,517, G>A. VCF-style: chr1-160195517-G-A. GRCh37 (hg19) VCF-style: chr1-160165307-G-A.
Other names: short protein forms A212T.
Identifiers: ClinVar variation 1385332 (VCV001385332.7), dbSNP rs773804780, ClinGen allele CA1196264.